The following is an entry in ClinVar:

ClinVar aggregate classification (germline): Pathogenic/Likely pathogenic. Review status: criteria provided, multiple submitters, no conflicts (2 of 4 stars). 3 submissions from 3 submitters: Pathogenic (1); Likely pathogenic (2). Last evaluated 2025-09-24.

Conditions:
Peroxisome biogenesis disorder. Identifiers: Orphanet 79189, MedGen C1832200, MONDO:0019234. Disease mechanism: loss of function.
Peroxisome biogenesis disorder 1A (Zellweger) (PBD1A). Also called: Zellweger leukodystrophy; Peroxisome biogenesis disorder 1a. Identifiers: MedGen C4721541, MONDO:0008953, OMIM 214100.
Zellweger spectrum disorders (ZS). Also called: Zellweger syndrome; Zellweger Spectrum Disorder; Zellweger Spectrum; Zellweger Spectrum Disorder (ZSD). Identifiers: Orphanet 912, MedGen C0043459, MONDO:0019609.

Submissions (3):

Genesolutions, Medical Genetics Institutes, Ho Chi Minh City, Vietnam
Classification: Pathogenic for Peroxisome biogenesis disorder 1A (Zellweger). Last evaluated: 2025-09-24. Review status: criteria provided, single submitter. Criteria: ACMG Guidelines, 2015. Collection method: clinical testing. Allele origin: germline. Affected: yes.

Women's Health and Genetics/Laboratory Corporation of America, LabCorp
Classification: Likely pathogenic for Peroxisome biogenesis disorder. Last evaluated: 2021-04-20. Review status: criteria provided, single submitter. Criteria: LabCorp Variant Classification Summary - May 2015. Collection method: clinical testing. Allele origin: germline.
Comment: Variant summary: PEX1 c.130-2A>T is located in a canonical splice-site and is predicted to affect mRNA splicing resulting in a significantly altered protein due to either exon skipping, shortening, or inclusion of intronic material. Several computational tools predict a significant impact on normal splicing: three predict the variant abolishes a 3' acceptor site. However, these predictions have yet to be confirmed by functional studies. The variant was absent in 251078 control chromosomes (gnomAD). c.130-2A>T has been reported in the literature in at least one individual affected with Zellweger Syndrome (Ebberink 2011). In this study authors demonstrated defective peroxisome biogenesis in a patient derived cell line, which was restored after transfection with the PEX1 cDNA. Another variant affecting the same nucleotide (c.130-2A>G) was also reported in affected individual(s) (HGMD). No clinical diagnostic laboratories have submitted clinical-significance assessments for this variant to ClinVar after 2014. Based on the evidence outlined above, the variant was classified as likely pathogenic.

Labcorp Genetics (formerly Invitae), Labcorp
Classification: Likely pathogenic for Zellweger spectrum disorders. Last evaluated: 2020-12-16. Review status: criteria provided, single submitter. Criteria: Invitae Variant Classification Sherloc (09022015). Collection method: clinical testing. Allele origin: germline.
Comment: In summary, the currently available evidence indicates that the variant is pathogenic, but additional data are needed to prove that conclusively. Therefore, this variant has been classified as Likely Pathogenic. Algorithms developed to predict the effect of sequence changes on RNA splicing suggest that this variant may disrupt the consensus splice site, but this prediction has not been confirmed by published transcriptional studies. Disruption of this splice site has been observed in individual(s) with clinical features of Zellweger spectrum disorder (PMID: 27882258). This variant is not present in population databases (ExAC no frequency). This sequence change affects an acceptor splice site in intron 1 of the PEX1 gene. It is expected to disrupt RNA splicing. Variants that disrupt the donor or acceptor splice site typically lead to a loss of protein function (PMID: 16199547), and loss-of-function variants in PEX1 are known to be pathogenic (PMID: 9398847, 16086329, 16141001, 21031596, 26387595, 31831025).

Literature cited by the submitters: PubMed 21031596 (cited by Women's Health and Genetics/Laboratory Corporation of America, LabCorp and Labcorp Genetics (formerly Invitae), Labcorp); PubMed 27882258 (cited by Labcorp Genetics (formerly Invitae), Labcorp); PubMed 16199547 (cited by Labcorp Genetics (formerly Invitae), Labcorp); PubMed 9398847 (cited by Labcorp Genetics (formerly Invitae), Labcorp); PubMed 16086329 (cited by Labcorp Genetics (formerly Invitae), Labcorp); PubMed 16141001 (cited by Labcorp Genetics (formerly Invitae), Labcorp); PubMed 26387595 (cited by Labcorp Genetics (formerly Invitae), Labcorp); PubMed 31831025 (cited by Labcorp Genetics (formerly Invitae), Labcorp).

NM_000466.3(PEX1):c.130-2A>T

Gene: PEX1 (peroxisomal biogenesis factor 1; minus strand). Cytogenetic location: 7q21.2.
Variant type: single nucleotide variant.
Coding change: c.130-2A>T on transcript NM_000466.3 (MANE Select); the canonical splice acceptor site of the intron before coding-DNA position 130, A replaced by T.
Molecular consequence: splice acceptor variant.
Genome position (GRCh38, 1-based): chr7:92,522,247, T>A on the plus strand (A>T on the coding strand, the complement: PEX1 is on the minus strand). VCF-style: chr7-92522247-T-A. GRCh37 (hg19) VCF-style: chr7-92151561-T-A.
Other names: c.-530-2A>T (NM_001282678.2); c.130-2A>T (NM_001282677.2).
Identifiers: ClinVar variation 1098815 (VCV001098815.9), dbSNP rs1585260993, ClinGen allele CA368205304.